The following is an entry in ClinVar:

ClinVar aggregate classification (germline): Pathogenic (1 of 4 stars; one submission).

Conditions:
Neuromuscular disease caused by qualitative or quantitative defects of dysferlin. Also called: Qualitative or quantitative defects of dysferlin; Dysferlinopathy. Identifiers: Orphanet 207073, MedGen C2931687, MONDO:0016145.

Submission:

Labcorp Genetics (formerly Invitae), Labcorp
Classification: Pathogenic for Neuromuscular disease caused by qualitative or quantitative defects of dysferlin. Last evaluated: 2021-04-19. Review status: criteria provided, single submitter. Criteria: Invitae Variant Classification Sherloc (09022015). Collection method: clinical testing. Allele origin: germline.
Comment: For these reasons, this variant has been classified as Pathogenic. This variant has not been reported in the literature in individuals with DYSF-related conditions. This variant is not present in population databases (ExAC no frequency). This sequence change creates a premature translational stop signal (p.Met459Lysfs*14) in the DYSF gene. It is expected to result in an absent or disrupted protein product. Loss-of-function variants in DYSF are known to be pathogenic (PMID: 17698709, 20301480).

Literature cited by the submitters: PubMed 17698709; PubMed 20301480.

NM_001130987.2(DYSF):c.1472_1473del (p.Met491fs)

Gene: DYSF (dysferlin; plus strand). Cytogenetic location: 2p13.2.
Variant type: Deletion.
Coding change: c.1472_1473del on transcript NM_001130987.2 (MANE Select); coding-DNA positions 1472 to 1473, 2 bases deleted (TG; older notation c.1472_1473delTG).
Protein change: p.Met491fs; shifts the reading frame from methionine 491.
Molecular consequence: frameshift variant.
Genome position (GRCh38, 1-based): chr2:71,535,290-71,535,291, TG deleted. VCF-style (leftmost placement, unchanged base first): chr2-71535289-ATG-A. GRCh37 (hg19) VCF-style: chr2-71762419-ATG-A.
Other names: c.1379_1380del, p.Met460fs (NM_001130455.2, NM_001130983.2, NM_001130984.2 and 1 more transcripts); c.1376_1377del, p.Met459fs (NM_001130976.2, NM_001130977.2, NM_001130978.2 and 1 more transcripts); c.1469_1470del, p.Met490fs (NM_001130979.2, NM_001130980.2, NM_001130981.2); c.1472_1473del, p.Met491fs (NM_001130982.2, NM_001130985.2); short protein forms M491fs, M460fs, M490fs, M459fs.
Identifiers: ClinVar variation 1453908 (VCV001453908.6), dbSNP rs2152761337, ClinGen allele CA2573135845.